The following is an entry in ClinVar:

ClinVar aggregate classification (germline): Uncertain significance (1 of 4 stars; one submission).

gnomAD v4.1: 1 of 1,614,120 alleles (0.000062%); highest among the groups gnomAD compares: Non-Finnish European, 0.000085%; no homozygotes.

Submission:

Labcorp Genetics (formerly Invitae), Labcorp
Classification: Uncertain significance. Last evaluated: 2022-09-25. Review status: criteria provided, single submitter. Criteria: Invitae Variant Classification Sherloc (09022015). Collection method: clinical testing. Allele origin: germline.
Comment: This variant is not present in population databases (gnomAD no frequency). This variant has not been reported in the literature in individuals affected with SEMA4A-related conditions. Advanced modeling of protein sequence and biophysical properties (such as structural, functional, and spatial information, amino acid conservation, physicochemical variation, residue mobility, and thermodynamic stability) performed at Invitae indicates that this missense variant is not expected to disrupt SEMA4A protein function. In summary, the available evidence is currently insufficient to determine the role of this variant in disease. Therefore, it has been classified as a Variant of Uncertain Significance. This sequence change replaces alanine, which is neutral and non-polar, with threonine, which is neutral and polar, at codon 105 of the SEMA4A protein (p.Ala105Thr).

NM_022367.4(SEMA4A):c.313G>A (p.Ala105Thr)

Gene: SEMA4A (semaphorin 4A; plus strand). Cytogenetic location: 1q22.
Variant type: single nucleotide variant.
Coding change: c.313G>A on transcript NM_022367.4 (MANE Select); coding-DNA position 313, G replaced by A.
Protein change: p.Ala105Thr; replaces alanine 105 with threonine.
Molecular consequence: missense variant. On other transcripts: 5 prime UTR variant (2).
Genome position (GRCh38, 1-based): chr1:156,158,082, G>A. VCF-style: chr1-156158082-G-A. GRCh37 (hg19) VCF-style: chr1-156127873-G-A.
Other names: c.313G>A, p.Ala105Thr (NM_001193300.2, NM_001193301.2, NM_001370567.1); c.16G>A, p.Ala6Thr (NM_001193302.2, NM_001370568.1); c.-212G>A (NM_001370569.1, NM_001370571.1); short protein forms A105T, A6T.
Identifiers: ClinVar variation 1720321 (VCV001720321.5), dbSNP rs2528133847, ClinGen allele CA342835538.